The following is an entry in ClinVar:

ClinVar aggregate classification (germline): Uncertain significance. Review status: criteria provided, multiple submitters, no conflicts (2 of 4 stars). 3 submissions from 3 submitters: Uncertain significance (3). Last evaluated 2024-10-01.

Conditions:
Inborn genetic diseases. Identifiers: MedGen C0950123, MeSH D030342.
Microcephaly 5, primary, autosomal recessive (MCPH5). Also called: ASPM Primary Microcephaly. Identifiers: Orphanet 2512, MedGen C1837501, MONDO:0012106, OMIM 608716.

Allele frequency attached by ClinVar (database versions not stated): gnomAD exomes below 0.00001; TOPMed below 0.00001; gnomAD 0.00001.
gnomAD v4.1: 5 of 1,612,758 alleles (0.00031%); highest among the groups gnomAD compares: Non-Finnish European, 0.00042%; no homozygotes.

Submissions (3):

Ambry Genetics
Classification: Uncertain significance for Inborn genetic diseases. Last evaluated: 2024-10-01. Review status: criteria provided, single submitter. Criteria: Ambry Variant Classification Scheme 2023. Collection method: clinical testing. Allele origin: germline.

Genome-Nilou Lab
Classification: Uncertain significance for Microcephaly 5, primary, autosomal recessive. Last evaluated: 2023-04-11. Review status: criteria provided, single submitter. Criteria: ACMG Guidelines, 2015. Collection method: clinical testing. Allele origin: germline. Affected: no.

Labcorp Genetics (formerly Invitae), Labcorp
Classification: Uncertain significance. Last evaluated: 2022-06-13. Review status: criteria provided, single submitter. Criteria: Invitae Variant Classification Sherloc (09022015). Collection method: clinical testing. Allele origin: germline.
Comment: This variant is present in population databases (no rsID available, gnomAD 0.0009%). This sequence change replaces tyrosine, which is neutral and polar, with asparagine, which is neutral and polar, at codon 1858 of the ASPM protein (p.Tyr1858Asn). This variant has not been reported in the literature in individuals affected with ASPM-related conditions. Algorithms developed to predict the effect of missense changes on protein structure and function (SIFT, PolyPhen-2, Align-GVGD) all suggest that this variant is likely to be disruptive. In summary, the available evidence is currently insufficient to determine the role of this variant in disease. Therefore, it has been classified as a Variant of Uncertain Significance.

NM_018136.5(ASPM):c.5572T>A (p.Tyr1858Asn)

Gene: ASPM (assembly factor for spindle microtubules; minus strand). Cytogenetic location: 1q31.3.
Variant type: single nucleotide variant.
Coding change: c.5572T>A on transcript NM_018136.5 (MANE Select); coding-DNA position 5572, T replaced by A.
Protein change: p.Tyr1858Asn; replaces tyrosine 1858 with asparagine.
Molecular consequence: missense variant. On other transcripts: intron variant (1).
Genome position (GRCh38, 1-based): chr1:197,103,679, A>T on the plus strand (T>A on the coding strand, the complement: ASPM is on the minus strand). VCF-style: chr1-197103679-A-T. GRCh37 (hg19) VCF-style: chr1-197072809-A-T.
Other names: c.4066-7515T>A (NM_001206846.2); c.5572T>A (NM_018136.4); short protein forms Y1858N.
Identifiers: ClinVar variation 1479769 (VCV001479769.11), dbSNP rs1338772800, ClinGen allele CA344026272.
Genomic context (GRCh38, chr1:197,103,679, plus strand): 5'-CAGCTGCCTTTGTCTTCAAAAAATGTGTTCTTGTATCATGAAGAGTCTTGTACGCCCTGT[A>T]CCATCTCTGAATCTTTATTATAGATTGAAGCACAGATTGATATTTTACCCTTTTATTATA-3'
Protein context (NP_060606.3, residues 1848-1868): LQSIIKIQRW[Tyr1858Asn]RAYKTLHDTR